The following is an entry in ClinVar:

ClinVar aggregate classification (germline): Benign (1 of 4 stars; one submission).

Conditions:
Hyperekplexia 2 (HKPX2). Identifiers: Orphanet 3197, MedGen C3553291, MONDO:0013828, OMIM 614619.

Allele frequency attached by ClinVar (database versions not stated): gnomAD 0.00627 and 0.00773; TOPMed 0.00877; 1000 Genomes Project 30x 0.02374; 1000 Genomes Project 0.02616.

Submission:

Illumina Laboratory Services, Illumina
Classification: Benign for Hyperekplexia 2. Last evaluated: 2018-01-13. Review status: criteria provided, single submitter. Criteria: ICSL Variant Classification Criteria 13 December 2019. Collection method: clinical testing. Allele origin: germline.
Comment: This variant was observed in the ICSL laboratory as part of a predisposition screen in an ostensibly healthy population. It had not been previously curated by ICSL or reported in the Human Gene Mutation Database (HGMD: prior to June 1st, 2018), and was therefore a candidate for classification through an automated scoring system. Utilizing variant allele frequency, disease prevalence and penetrance estimates, and inheritance mode, an automated score was calculated to assess if this variant is too frequent to cause the disease. Based on the score and internal cut-off values, a variant classified as benign is not then subjected to further curation. The score for this variant resulted in a classification of benign for this disease.

NM_000824.5(GLRB):c.-69C>T

Gene: GLRB (glycine receptor beta; plus strand). Cytogenetic location: 4q32.1.
Variant type: single nucleotide variant.
Coding change: c.-69C>T on transcript NM_000824.5 (MANE Select); 69 bases upstream of the start codon, C replaced by T.
Molecular consequence: 5 prime UTR variant.
Genome position (GRCh38, 1-based): chr4:157,076,258, C>T. VCF-style: chr4-157076258-C-T. GRCh37 (hg19) VCF-style: chr4-157997410-C-T.
Other names: c.-69C>T (NM_001166061.2).
Identifiers: ClinVar variation 347912 (VCV000347912.5), dbSNP rs3822159, ClinGen allele CA10620361.